The following is an entry in ClinVar:

NM_000283.4(PDE6B):c.927+5G>A

Genes: PDE6B (phosphodiesterase 6B; plus strand), PDE6B-AS1 (PDE6B antisense RNA 1; minus strand). Cytogenetic location: 4p16.3.
Variant type: single nucleotide variant.
Coding change: c.927+5G>A on transcript NM_000283.4 (MANE Select); 5 bases into the intron after coding-DNA position 927, G replaced by A.
Molecular consequence: intron variant.
Genome position (GRCh38, 1-based): chr4:654,159, G>A. VCF-style: chr4-654159-G-A. GRCh37 (hg19) VCF-style: chr4-647948-G-A.
Other names: c.927+5G>A (NM_001145291.2); c.90+5G>A (NM_001379246.1, NM_001379247.1, NM_001145292.2 and 1 more transcripts); c.-114+5G>A (NM_001350155.3).
Identifiers: ClinVar variation 1051946 (VCV001051946.8), dbSNP rs920662600, ClinGen allele CA91078145.

ClinVar aggregate classification (germline): Conflicting classifications of pathogenicity. Review status: criteria provided, conflicting classifications (1 of 4 stars). 2 submissions from 2 submitters: Likely pathogenic (1); Uncertain significance (1). Last evaluated 2025-03-31.

Conditions:
PDE6B-related disorder. Also called: PDE6B-related disorders; PDE6B-related disease; PDE6B-related condition.

Allele frequency attached by ClinVar (database versions not stated): gnomAD exomes below 0.00001 and 0.00001; gnomAD 0.00001; TOPMed 0.00001.
gnomAD v4.1: 9 of 1,612,496 alleles (0.00056%); highest among the groups gnomAD compares: African/African-American, 0.0013%; no homozygotes.

Submissions (2):

Labcorp Genetics (formerly Invitae), Labcorp
Classification: Uncertain significance. Last evaluated: 2025-03-31. Review status: criteria provided, single submitter. Criteria: Invitae Variant Classification Sherloc (09022015). Collection method: clinical testing. Allele origin: germline.
Comment: This sequence change falls in intron 5 of the PDE6B gene. It does not directly change the encoded amino acid sequence of the PDE6B protein. It affects a nucleotide within the consensus splice site. This variant is present in population databases (no rsID available, gnomAD 0.0009%). This variant has not been reported in the literature in individuals affected with PDE6B-related conditions. ClinVar contains an entry for this variant (Variation ID: 1051946). Variants that disrupt the consensus splice site are a relatively common cause of aberrant splicing (PMID: 17576681, 9536098). Algorithms developed to predict the effect of sequence changes on RNA splicing suggest that this variant may disrupt the consensus splice site. In summary, the available evidence is currently insufficient to determine the role of this variant in disease. Therefore, it has been classified as a Variant of Uncertain Significance.

Blueprint Genetics
Classification: Likely pathogenic for PDE6B-related disorders. Last evaluated: 2024-08-22. Review status: criteria provided, single submitter. Criteria: ACMG Guidelines, 2015. Collection method: clinical testing. Allele origin: germline. Affected: yes. Observed: 5 variant alleles.

Literature cited by the submitters: PubMed 17576681 (cited by Labcorp Genetics (formerly Invitae), Labcorp); PubMed 9536098 (cited by Labcorp Genetics (formerly Invitae), Labcorp).